The following is an entry in ClinVar:

ClinVar aggregate classification (germline): Likely benign. Review status: criteria provided, multiple submitters, no conflicts (2 of 4 stars). 2 submissions from 2 submitters: Likely benign (2). Last evaluated 2026-05-12.

Conditions:
Neurofibromatosis, type 1 (NF1). Also called: VON RECKLINGHAUSEN DISEASE; Neurofibromatosis, type I; NEUROFIBROMATOSIS, TYPE I, SOMATIC; Peripheral type neurofibromatosis. Identifiers: Orphanet 636, MedGen C0027831, MONDO:0018975, OMIM 162200. Disease mechanism: loss of function.

Submissions (2):

Myriad Genetics, Inc.
Classification: Likely benign for Neurofibromatosis, type 1. Last evaluated: 2026-05-12. Review status: criteria provided, single submitter. Criteria: Myriad Autosomal Dominant, Autosomal Recessive and X-Linked Classification Criteria (2023). Collection method: clinical testing. Allele origin: unknown.
Comment: This variant is considered likely benign. This variant is intronic and is not expected to impact mRNA splicing.

Labcorp Genetics (formerly Invitae), Labcorp
Classification: Likely benign for Neurofibromatosis, type 1. Last evaluated: 2021-10-11. Review status: criteria provided, single submitter. Criteria: Invitae Variant Classification Sherloc (09022015). Collection method: clinical testing. Allele origin: germline.

NM_001042492.3(NF1):c.3709-20T>C

Gene: NF1 (neurofibromin 1; plus strand). Cytogenetic location: 17q11.2.
Variant type: single nucleotide variant.
Coding change: c.3709-20T>C on transcript NM_001042492.3 (MANE Select); 20 bases into the intron before coding-DNA position 3709, T replaced by C.
Molecular consequence: intron variant.
Genome position (GRCh38, 1-based): chr17:31,235,591, T>C. VCF-style: chr17-31235591-T-C. GRCh37 (hg19) VCF-style: chr17-29562609-T-C.
Other names: c.3709-20T>C (NM_000267.4).
Identifiers: ClinVar variation 1585670 (VCV001585670.9), dbSNP rs2151437644, ClinGen allele CA2573153371.